The following is an entry in ClinVar:

ClinVar aggregate classification (germline): Uncertain significance (1 of 4 stars; one submission).

Conditions:
Hereditary cancer-predisposing syndrome. Also called: Neoplastic Syndromes, Hereditary; Tumor predisposition; Hereditary Cancer Syndrome; Hereditary neoplastic syndrome. Identifiers: Orphanet 140162, MedGen C0027672, MeSH D009386, MONDO:0015356.

gnomAD v4.1: 1 of 1,613,364 alleles (0.000062%); highest among the groups gnomAD compares: South Asian, 0.0011%; no homozygotes.

Submission:

Ambry Genetics
Classification: Uncertain significance for Hereditary cancer-predisposing syndrome. Last evaluated: 2026-06-13. Review status: criteria provided, single submitter. Criteria: Ambry Variant Classification Scheme 2023. Collection method: clinical testing. Allele origin: germline.
Comment: The p.E1047K variant (also known as c.3139G>A), located in coding exon 23 of the MSH3 gene, results from a G to A substitution at nucleotide position 3139. The glutamic acid at codon 1047 is replaced by lysine, an amino acid with similar properties. This amino acid position is conserved. In addition, the in silico prediction for this alteration is inconclusive. Based on the available evidence, the clinical significance of this variant remains unclear.

NM_002439.5(MSH3):c.3139G>A (p.Glu1047Lys)

Gene: MSH3 (mutS homolog 3; plus strand). Cytogenetic location: 5q14.1.
Variant type: single nucleotide variant.
Coding change: c.3139G>A on transcript NM_002439.5 (MANE Select); coding-DNA position 3139, G replaced by A.
Protein change: p.Glu1047Lys; replaces glutamic acid 1047 with lysine.
Molecular consequence: missense variant.
Genome position (GRCh38, 1-based): chr5:80,873,124, G>A. VCF-style: chr5-80873124-G-A. GRCh37 (hg19) VCF-style: chr5-80168943-G-A.
Other names: short protein forms E1047K.
Identifiers: ClinVar variation 4860364 (VCV004860364.1).